The following is an entry in ClinVar:

ClinVar aggregate classification (germline): Uncertain significance (1 of 4 stars; one submission).

Conditions:
Hereditary cancer-predisposing syndrome. Also called: Neoplastic Syndromes, Hereditary; Tumor predisposition; Hereditary neoplastic syndrome; Hereditary Cancer Syndrome. Identifiers: Orphanet 140162, MedGen C0027672, MeSH D009386, MONDO:0015356.

Submission:

Ambry Genetics
Classification: Uncertain significance for Hereditary cancer-predisposing syndrome. Last evaluated: 2026-07-07. Review status: criteria provided, single submitter. Criteria: Ambry Variant Classification Scheme 2023. Collection method: clinical testing. Allele origin: germline.
Comment: The p.K257N variant (also known as c.771A>C), located in coding exon 7 of the SUFU gene, results from an A to C substitution at nucleotide position 771. The lysine at codon 257 is replaced by asparagine, an amino acid with similar properties. This amino acid position is conserved. In addition, this alteration is predicted to be tolerated by in silico analysis. Based on the available evidence, the clinical significance of this variant remains unclear.

NM_016169.4(SUFU):c.771A>C (p.Lys257Asn)

Gene: SUFU (SUFU negative regulator of hedgehog signaling; plus strand). Cytogenetic location: 10q24.32.
Variant type: single nucleotide variant.
Coding change: c.771A>C on transcript NM_016169.4 (MANE Select); coding-DNA position 771, A replaced by C.
Protein change: p.Lys257Asn; replaces lysine 257 with asparagine.
Molecular consequence: missense variant.
Genome position (GRCh38, 1-based): chr10:102,597,154, A>C. VCF-style: chr10-102597154-A-C. GRCh37 (hg19) VCF-style: chr10-104356911-A-C.
Other names: c.771A>C, p.Lys257Asn (NM_001178133.2); short protein forms K257N.
Identifiers: ClinVar variation 5030411 (VCV005030411.1).